The following is an entry in ClinVar:

NM_015426.5(POC1A):c.55C>T (p.Arg19Ter)

Gene: POC1A (POC1 centriolar protein A; minus strand). Cytogenetic location: 3p21.2.
Variant type: single nucleotide variant.
Coding change: c.55C>T on transcript NM_015426.5 (MANE Select); coding-DNA position 55, C replaced by T.
Protein change: p.Arg19Ter; replaces arginine 19 with a stop codon.
Molecular consequence: nonsense. On other transcripts: 5 prime UTR variant (1).
Genome position (GRCh38, 1-based): chr3:52,151,064, G>A on the plus strand (C>T on the coding strand, the complement: POC1A is on the minus strand). VCF-style: chr3-52151064-G-A. GRCh37 (hg19) VCF-style: chr3-52185080-G-A.
Other names: c.55C>T, p.Arg19Ter (NM_001161580.2); c.-60C>T (NM_001161581.2); short protein forms R19*.
Identifiers: ClinVar variation 3250429 (VCV003250429.1), dbSNP rs778252554.

ClinVar aggregate classification (germline): Likely pathogenic (1 of 4 stars; one submission).

Conditions:
Short stature-onychodysplasia-facial dysmorphism-hypotrichosis syndrome. Also called: SOFT SYNDROME; Short stature, onychodysplasia, facial dysmorphism, and hypotrichosis. Identifiers: Orphanet 314394, MedGen C3542022, MONDO:0013894, OMIM 614813.

Allele frequency attached by ClinVar (database versions not stated): TOPMed below 0.00001; gnomAD 0.00001.
gnomAD v4.1: 7 of 1,613,758 alleles (0.00043%); highest among the groups gnomAD compares: East Asian, 0.0022%; no homozygotes.

Submission:

Neuberg Centre For Genomic Medicine, NCGM
Classification: Likely pathogenic for Short stature-onychodysplasia-facial dysmorphism-hypotrichosis syndrome. Review status: criteria provided, single submitter. Criteria: ACMG Guidelines, 2015. Collection method: clinical testing. Allele origin: germline. Inheritance: Autosomal recessive inheritance. Affected: yes.
Comment: The observed stop gained variant c.55C>T (p.Arg19Ter) in POC1A has not been reported previously as a pathogenic variant nor as a benign variant, to our knowledge. The p.Arg19Ter variant has allele frequency 0.001% in gnomAD Exomes. This variant has not been submitted to the ClinVar database. The nucleotide change c.55C>T in POC1A is predicted as conserved by GERP++ and PhyloP across 100 vertebrates. This variant is predicted to cause loss of normal protein function through protein truncation. Loss of function variants have been previously reported to be disease causing. For these reasons, this variant has been classified as Likely Pathogenic.